The following is an entry in ClinVar:

ClinVar aggregate classification (germline): Uncertain significance (1 of 4 stars; one submission).

Conditions:
Leukocyte adhesion deficiency 3. Also called: Leukocyte adhesion deficiency, type III; INTEGRIN ACTIVATION DEFICIENCY DISEASE; LEUKOCYTE ADHESION DEFICIENCY 1 VARIANT. Identifiers: Orphanet 2968, Orphanet 99844, MedGen C2748536, MONDO:0013016, OMIM 612840.

Allele frequency attached by ClinVar (database versions not stated): gnomAD 0.00001; gnomAD exomes 0.00001.

Submission:

Labcorp Genetics (formerly Invitae), Labcorp
Classification: Uncertain significance for Leukocyte adhesion deficiency 3. Last evaluated: 2022-07-21. Review status: criteria provided, single submitter. Criteria: Invitae Variant Classification Sherloc (09022015). Collection method: clinical testing. Allele origin: germline.
Comment: In summary, the available evidence is currently insufficient to determine the role of this variant in disease. Therefore, it has been classified as a Variant of Uncertain Significance. Algorithms developed to predict the effect of missense changes on protein structure and function are either unavailable or do not agree on the potential impact of this missense change (SIFT: "Deleterious"; PolyPhen-2: "Probably Damaging"; Align-GVGD: "Class C0"). This variant has not been reported in the literature in individuals affected with FERMT3-related conditions. This variant is present in population databases (no rsID available, gnomAD 0.006%). This sequence change replaces arginine, which is basic and polar, with cysteine, which is neutral and slightly polar, at codon 250 of the FERMT3 protein (p.Arg250Cys).

NM_031471.6(FERMT3):c.748C>T (p.Arg250Cys)

Gene: FERMT3 (FERM domain containing kindlin 3; plus strand). Cytogenetic location: 11q13.1.
Variant type: single nucleotide variant.
Coding change: c.748C>T on transcript NM_031471.6 (MANE Select); coding-DNA position 748, C replaced by T.
Protein change: p.Arg250Cys; replaces arginine 250 with cysteine.
Molecular consequence: missense variant.
Genome position (GRCh38, 1-based): chr11:64,211,709, C>T. VCF-style: chr11-64211709-C-T. GRCh37 (hg19) VCF-style: chr11-63979181-C-T.
Other names: c.748C>T, p.Arg250Cys (NM_001382361.1, NM_001382362.1, NM_001382448.1 and 1 more transcripts); c.208C>T, p.Arg70Cys (NM_001382363.1, NM_001382364.1); short protein forms R70C, R250C.
Identifiers: ClinVar variation 1919139 (VCV001919139.5), dbSNP rs1351019832, ClinGen allele CA381083866.
Genomic context (GRCh38, chr11:64,211,709, plus strand): 5'-CTGGACTCGTCGCGGTGTCTCATGCAGCAGGGCATCAAGGCCGGGGACGCACTCTGGCTG[C>T]GCTTCAAGTACTACAGCTTCTTCGATTTGGATCCCAAGGTGGGTCGGGGCAGGGAGAAAG-3'
Protein context (NP_113659.3, residues 240-260): GIKAGDALWL[Arg250Cys]FKYYSFFDLD